The following is an entry in ClinVar:

ClinVar aggregate classification (germline): Uncertain significance. Review status: criteria provided, multiple submitters, no conflicts (2 of 4 stars). 2 submissions from 2 submitters: Uncertain significance (2). Last evaluated 2025-04-15.

Allele frequency attached by ClinVar (database versions not stated): TOPMed 0.00005.
gnomAD v4.1: 16 of 1,614,028 alleles (0.00099%); highest among the groups gnomAD compares: African/African-American, 0.02%; no homozygotes.

Submissions (2):

Ambry Genetics
Classification: Uncertain significance. Last evaluated: 2025-04-15. Review status: criteria provided, single submitter. Criteria: Ambry Variant Classification Scheme 2023. Collection method: clinical testing. Allele origin: germline.

Labcorp Genetics (formerly Invitae), Labcorp
Classification: Uncertain significance. Last evaluated: 2024-10-22. Review status: criteria provided, single submitter. Criteria: Invitae Variant Classification Sherloc (09022015). Collection method: clinical testing. Allele origin: germline.
Comment: This sequence change replaces aspartic acid, which is acidic and polar, with glutamic acid, which is acidic and polar, at codon 8 of the IFT43 protein (p.Asp8Glu). This variant is present in population databases (rs759869016, gnomAD 0.02%). This variant has not been reported in the literature in individuals affected with IFT43-related conditions. ClinVar contains an entry for this variant (Variation ID: 943134). Experimental studies and prediction algorithms are not available or were not evaluated, and the functional significance of this variant is currently unknown. In summary, the available evidence is currently insufficient to determine the role of this variant in disease. Therefore, it has been classified as a Variant of Uncertain Significance.

NM_001102564.3(IFT43):c.24C>A (p.Asp8Glu)

Gene: IFT43 (intraflagellar transport 43; plus strand). Cytogenetic location: 14q24.3.
Variant type: single nucleotide variant.
Coding change: c.24C>A on transcript NM_001102564.3 (MANE Select); coding-DNA position 24, C replaced by A.
Protein change: p.Asp8Glu; replaces aspartic acid 8 with glutamic acid.
Molecular consequence: missense variant. On other transcripts: non-coding transcript variant (2).
Genome position (GRCh38, 1-based): chr14:75,985,810, C>A. VCF-style: chr14-75985810-C-A. GRCh37 (hg19) VCF-style: chr14-76452153-C-A.
Other names: c.24C>A, p.Asp8Glu (NM_001255995.3, NM_052873.3); short protein forms D8E.
Identifiers: ClinVar variation 943134 (VCV000943134.9), dbSNP rs759869016, ClinGen allele CA7280576.